The following is an entry in ClinVar:

ClinVar aggregate classification (germline): Uncertain significance. Review status: criteria provided, multiple submitters, no conflicts (2 of 4 stars). 2 submissions from 2 submitters: Uncertain significance (2). Last evaluated 2026-04-30.

Conditions:
Hereditary cancer-predisposing syndrome. Also called: Neoplastic Syndromes, Hereditary; Tumor predisposition; Hereditary Cancer Syndrome; Hereditary neoplastic syndrome. Identifiers: Orphanet 140162, MedGen C0027672, MeSH D009386, MONDO:0015356.
Ataxia-telangiectasia syndrome (AT). Also called: LOUIS-BAR SYNDROME; Cerebello-oculocutaneous telangiectasia; Immunodeficiency with ataxia telangiectasia; Ataxia telangiectasia (A-T); Ataxia-telangiectasia, complementation group D; AT, COMPLEMENTATION GROUP C. Identifiers: Orphanet 100, MedGen C0004135, MONDO:0008840, OMIM 208900.

Submissions (2):

Ambry Genetics
Classification: Uncertain significance for Hereditary cancer-predisposing syndrome. Last evaluated: 2026-04-30. Review status: criteria provided, single submitter. Criteria: Ambry Variant Classification Scheme 2023. Collection method: clinical testing. Allele origin: germline.
Comment: The p.T2228K variant (also known as c.6683C>A), located in coding exon 45 of the ATM gene, results from a C to A substitution at nucleotide position 6683. The threonine at codon 2228 is replaced by lysine, an amino acid with similar properties. In an assay testing ATM function, this variant showed a functionally normal result (Lee KS et al. Cell, 2025 Sep;188:5081-5099.e27). This amino acid position is well conserved in available vertebrate species. In addition, the in silico prediction for this alteration is inconclusive. Based on the available evidence, the clinical significance of this variant remains unclear.

Labcorp Genetics (formerly Invitae), Labcorp
Classification: Uncertain significance for Ataxia-telangiectasia syndrome. Last evaluated: 2025-10-28. Review status: criteria provided, single submitter. Criteria: Invitae Variant Classification Sherloc (09022015). Collection method: clinical testing. Allele origin: germline.
Comment: This sequence change replaces threonine, which is neutral and polar, with lysine, which is basic and polar, at codon 2228 of the ATM protein (p.Thr2228Lys). This variant is not present in population databases (gnomAD no frequency). This missense change has been observed in individual(s) with biliary tract cancer (PMID: 36243179). ClinVar contains an entry for this variant (Variation ID: 1484409). Invitae Evidence Modeling of protein sequence and biophysical properties (such as structural, functional, and spatial information, amino acid conservation, physicochemical variation, residue mobility, and thermodynamic stability) indicates that this missense variant is not expected to disrupt ATM protein function with a negative predictive value of 95%. In summary, the available evidence is currently insufficient to determine the role of this variant in disease. Therefore, it has been classified as a Variant of Uncertain Significance.

Literature cited by the submitters: PubMed 40580951 (cited by Ambry Genetics); PubMed 36243179 (cited by Labcorp Genetics (formerly Invitae), Labcorp).

NM_000051.4(ATM):c.6683C>A (p.Thr2228Lys)

Genes: ATM (ATM serine/threonine kinase; plus strand), C11orf65 (chromosome 11 open reading frame 65; minus strand). Cytogenetic location: 11q22.3.
Variant type: single nucleotide variant.
Coding change: c.6683C>A on transcript NM_000051.4 (MANE Select); coding-DNA position 6683, C replaced by A.
Protein change: p.Thr2228Lys; replaces threonine 2228 with lysine.
Molecular consequence: missense variant. On other transcripts: intron variant (2).
Genome position (GRCh38, 1-based): chr11:108,325,420, C>A. VCF-style: chr11-108325420-C-A. GRCh37 (hg19) VCF-style: chr11-108196147-C-A.
Other names: c.641-16349G>T (NM_001330368.2); c.*38+9800G>T (NM_001351110.2); c.6683C>A, p.Thr2228Lys (NM_001351834.2); short protein forms T2228K.
Identifiers: ClinVar variation 1484409 (VCV001484409.7), dbSNP rs2085565666, ClinGen allele CA382554887.
Genomic context (GRCh38, chr11:108,325,420, plus strand): 5'-ACTCCCAGCTTCTCAAGGACAGTGATTTTAGTTTTCAGGAGCCTATCATGGCTCTACGCA[C>A]AGTCATTTTGGAGATCCTGATGGAAAAGGAAATGGACAACTCACAAAGAGAATGTATTAA-3'
Protein context (NP_000042.3, residues 2218-2238): SFQEPIMALR[Thr2228Lys]VILEILMEKE